The following is an entry in ClinVar:

ClinVar aggregate classification (germline): Likely pathogenic. Review status: criteria provided, multiple submitters, no conflicts (2 of 4 stars). 2 submissions from 2 submitters: Likely pathogenic (2). Last evaluated 2024-06-04.

Conditions:
ALG1-congenital disorder of glycosylation. Also called: CONGENITAL DISORDER OF GLYCOSYLATION, TYPE Ik; CDG Ik; ALG1-CDG. Identifiers: Orphanet 79327, MedGen C2931005, MONDO:0012052, OMIM 608540.

Submissions (2):

Fulgent Genetics
Classification: Likely pathogenic for ALG1-congenital disorder of glycosylation. Last evaluated: 2024-06-04. Review status: criteria provided, single submitter. Criteria: ACMG Guidelines, 2015. Collection method: clinical testing. Allele origin: germline.

Labcorp Genetics (formerly Invitae), Labcorp
Classification: Likely pathogenic for ALG1-congenital disorder of glycosylation. Last evaluated: 2023-07-13. Review status: criteria provided, single submitter. Criteria: Invitae Variant Classification Sherloc (09022015). Collection method: clinical testing. Allele origin: germline.
Comment: In summary, the currently available evidence indicates that the variant is pathogenic, but additional data are needed to prove that conclusively. Therefore, this variant has been classified as Likely Pathogenic. This variant has not been reported in the literature in individuals affected with ALG1-related conditions. Information on the frequency of this variant in the gnomAD database is not available, as this variant may be reported differently in the database. This sequence change affects a splice site in intron 4 of the ALG1 gene. It is expected to disrupt RNA splicing. Variants that disrupt the donor or acceptor splice site typically lead to a loss of protein function (PMID: 16199547), and loss-of-function variants in ALG1 are known to be pathogenic (PMID: 20679665, 23806237).

Literature cited by the submitters: PubMed 16199547 (cited by Labcorp Genetics (formerly Invitae), Labcorp); PubMed 20679665 (cited by Labcorp Genetics (formerly Invitae), Labcorp); PubMed 23806237 (cited by Labcorp Genetics (formerly Invitae), Labcorp).

NM_019109.5(ALG1):c.539_539+1delinsTC

Gene: ALG1 (ALG1 chitobiosyldiphosphodolichol beta-mannosyltransferase; plus strand). Cytogenetic location: 16p13.3.
Variant type: Indel.
Coding change: c.539_539+1delinsTC on transcript NM_019109.5 (MANE Select); coding-DNA position 539 through the canonical splice donor site of the intron after coding-DNA position 539, GG replaced by TC.
Molecular consequence: splice donor variant.
Genome position (GRCh38, 1-based): chr16:5,075,536-5,075,537, GG replaced by TC. VCF-style: chr16-5075536-GG-TC. GRCh37 (hg19) VCF-style: chr16-5125537-GG-TC.
Other names: c.206_206+1delinsTC (NM_001330504.2).
Identifiers: ClinVar variation 2788327 (VCV002788327.4), dbSNP rs2505854156, ClinGen allele CA2739266557.
Genomic context (GRCh38, chr16:5,075,536, plus strand): 5'-GCTACTCCATCATGGGTCTGGTGCATGGCCCCAACCATCCCCTCGTTCTGCTGGCCAAGT[GG>TC]TGAGAGTCTAGGAAGAGGGTAAAATACCGTCCCCTAAACCACTCAAGGATGAGTGAGAAG-3'